The following is an entry in ClinVar:

NM_001164277.2(SLC37A4):c.751C>G (p.Leu251Val)

Gene: SLC37A4 (solute carrier family 37 member 4; minus strand). Cytogenetic location: 11q23.3.
Variant type: single nucleotide variant.
Coding change: c.751C>G on transcript NM_001164277.2 (MANE Select); coding-DNA position 751, C replaced by G.
Protein change: p.Leu251Val; replaces leucine 251 with valine.
Molecular consequence: missense variant.
Genome position (GRCh38, 1-based): chr11:119,026,970, G>C on the plus strand (C>G on the coding strand, the complement: SLC37A4 is on the minus strand). VCF-style: chr11-119026970-G-C. GRCh37 (hg19) VCF-style: chr11-118897680-G-C.
Other names: c.751C>G, p.Leu251Val (NM_001164278.2, NM_001164280.2, NM_001467.6); c.532C>G, p.Leu178Val (NM_001164279.2); short protein forms L178V, L251V.
Identifiers: ClinVar variation 1484818 (VCV001484818.6), dbSNP rs2134634814, ClinGen allele CA382901003.

ClinVar aggregate classification (germline): Uncertain significance (1 of 4 stars; one submission).

Conditions:
Glucose-6-phosphate transport defect (GSD1B). Also called: Glycogen Storage Disease Type Ib; GSD Ib. Identifiers: Orphanet 364, Orphanet 79259, MedGen C0268146, MONDO:0009288, OMIM 232220.

Submission:

Labcorp Genetics (formerly Invitae), Labcorp
Classification: Uncertain significance for Glucose-6-phosphate transport defect. Last evaluated: 2022-08-16. Review status: criteria provided, single submitter. Criteria: Invitae Variant Classification Sherloc (09022015). Collection method: clinical testing. Allele origin: germline.
Comment: This sequence change replaces leucine, which is neutral and non-polar, with valine, which is neutral and non-polar, at codon 251 of the SLC37A4 protein (p.Leu251Val). This variant is not present in population databases (gnomAD no frequency). This variant has not been reported in the literature in individuals affected with SLC37A4-related conditions. ClinVar contains an entry for this variant (Variation ID: 1484818). Experimental studies and prediction algorithms are not available or were not evaluated, and the functional significance of this variant is currently unknown. In summary, the available evidence is currently insufficient to determine the role of this variant in disease. Therefore, it has been classified as a Variant of Uncertain Significance.